The following is an entry in ClinVar:

ClinVar aggregate classification (germline): Likely pathogenic (1 of 4 stars; one submission).

Conditions:
Intellectual developmental disorder, autosomal dominant 30, with speech delay and behavioral abnormalities. Also called: Intellectual disability, autosomal dominant 30. Identifiers: Orphanet 436151, MedGen C4015167, MONDO:0014486, OMIM 616083.

Submission:

Institute of Human Genetics, University of Leipzig Medical Center
Classification: Likely pathogenic for Intellectual developmental disorder, autosomal dominant 30, with speech delay and behavioral abnormalities. Last evaluated: 2021-04-13. Review status: criteria provided, single submitter. Criteria: ACMG Guidelines, 2015. Collection method: clinical testing. Allele origin: de novo. Inheritance: Sporadic. Affected: yes.

NM_001370100.5(ZMYND11):c.1159-2A>G

Gene: ZMYND11 (zinc finger MYND-type containing 11; plus strand). Cytogenetic location: 10p15.3.
Variant type: single nucleotide variant.
Coding change: c.1159-2A>G on transcript NM_001370100.5 (MANE Select); the canonical splice acceptor site of the intron before coding-DNA position 1159, A replaced by G.
Molecular consequence: splice acceptor variant. On other transcripts: intron variant (2).
Genome position (GRCh38, 1-based): chr10:247,396, A>G. VCF-style: chr10-247396-A-G. GRCh37 (hg19) VCF-style: chr10-293336-A-G.
Other names: c.997-2A>G (NM_001370103.2, NM_001370104.2, NM_001370105.2 and 6 more transcripts); c.1159-2A>G (NM_006624.7, NM_001370098.2, NM_001370097.3 and 4 more transcripts); c.1080+423A>G (NM_001370119.2); c.1039-2A>G (NM_001370118.2); c.1066-2A>G (NM_001370113.2, NM_001370114.2); c.1108-2A>G (NM_001330057.3, NM_001370112.2); c.1156-2A>G (NM_001370115.2, NM_212479.4); c.994-2A>G (NM_001202466.3, NM_001370111.2); and 8 more.
Identifiers: ClinVar variation 1064581 (VCV001064581.1), dbSNP rs2131938879, ClinGen allele CA375820687.